The following is an entry in ClinVar:

NM_000052.7(ATP7A):c.964A>G (p.Asn322Asp)

Gene: ATP7A (ATPase copper transporting alpha; plus strand). Cytogenetic location: Xq21.1.
Variant type: single nucleotide variant.
Coding change: c.964A>G on transcript NM_000052.7 (MANE Select); coding-DNA position 964, A replaced by G.
Protein change: p.Asn322Asp; replaces asparagine 322 with aspartic acid.
Molecular consequence: missense variant.
Genome position (GRCh38, 1-based): chrX:77,989,586, A>G. VCF-style: chrX-77989586-A-G. GRCh37 (hg19) VCF-style: chrX-77245082-A-G.
Other names: c.964A>G, p.Asn322Asp (NM_001282224.2); short protein forms N322D.
Identifiers: ClinVar variation 2930980 (VCV002930980.3), dbSNP rs1413043733, ClinGen allele CA413601519.

ClinVar aggregate classification (germline): Uncertain significance (1 of 4 stars; one submission).

Conditions:
Menkes kinky-hair syndrome (MNK). Also called: Copper transport disease; Menkes Disease; Classic Menkes Disease. Identifiers: Orphanet 565, MedGen C0022716, MONDO:0010651, OMIM 309400.
Cutis laxa, X-linked (OHS). Also called: EDS IX; Occipital horn syndrome. Identifiers: Orphanet 198, MedGen C0268353, MONDO:0010572, OMIM 304150.
X-linked distal spinal muscular atrophy type 3. Also called: ATP7A-Related Distal Motor Neuropathy; SPINAL MUSCULAR ATROPHY, DISTAL, X-LINKED RECESSIVE; NEURONOPATHY, DISTAL HEREDITARY MOTOR, X-LINKED; NEUROPATHY, DISTAL HEREDITARY MOTOR, X-LINKED. Identifiers: Orphanet 139557, MedGen C1845359, MONDO:0010338, OMIM 300489.

Allele frequency attached by ClinVar (database versions not stated): gnomAD exomes below 0.00001; TOPMed below 0.00001; gnomAD 0.00001.
gnomAD v4.1: 3 of 1,210,156 alleles (0.00025%); highest among the groups gnomAD compares: Non-Finnish European, 0.00034%; no homozygotes.

Submission:

Labcorp Genetics (formerly Invitae), Labcorp
Classification: Uncertain significance for X-linked distal spinal muscular atrophy type 3; Cutis laxa, X-linked; Menkes kinky-hair syndrome. Last evaluated: 2023-02-14. Review status: criteria provided, single submitter. Criteria: Invitae Variant Classification Sherloc (09022015). Collection method: clinical testing. Allele origin: germline.
Comment: This sequence change replaces asparagine, which is neutral and polar, with aspartic acid, which is acidic and polar, at codon 322 of the ATP7A protein (p.Asn322Asp). This variant is not present in population databases (gnomAD no frequency). This variant has not been reported in the literature in individuals affected with ATP7A-related conditions. Advanced modeling of protein sequence and biophysical properties (such as structural, functional, and spatial information, amino acid conservation, physicochemical variation, residue mobility, and thermodynamic stability) performed at Invitae indicates that this missense variant is not expected to disrupt ATP7A protein function. In summary, the available evidence is currently insufficient to determine the role of this variant in disease. Therefore, it has been classified as a Variant of Uncertain Significance.